The following is an entry in ClinVar:

ClinVar aggregate classification (germline): Likely benign. Review status: criteria provided, multiple submitters, no conflicts (2 of 4 stars). 3 submissions from 3 submitters: Likely benign (3). Last evaluated 2025-01-06.

Allele frequency attached by ClinVar (database versions not stated): gnomAD 0.00001; gnomAD exomes 0.00007.
gnomAD v4.1: 84 of 1,264,518 alleles (0.0066%); highest among the groups gnomAD compares: Non-Finnish European, 0.008%; no homozygotes.

Submissions (3):

Labcorp Genetics (formerly Invitae), Labcorp
Classification: Likely benign. Last evaluated: 2025-01-06. Review status: criteria provided, single submitter. Criteria: Invitae Variant Classification Sherloc (09022015). Collection method: clinical testing. Allele origin: germline.

Blueprint Genetics
Classification: Likely benign. Last evaluated: 2022-02-21. Review status: criteria provided, single submitter. Criteria: ACMG Guidelines, 2015. Collection method: clinical testing. Allele origin: germline.

GeneDx
Classification: Likely benign. Last evaluated: 2016-05-12. Review status: criteria provided, single submitter. Criteria: GeneDx Variant Classification (06012015). Collection method: clinical testing. Allele origin: germline. Affected: yes.
Comment: This variant is considered likely benign or benign based on one or more of the following criteria: it is a conservative change, it occurs at a poorly conserved position in the protein, it is predicted to be benign by multiple in silico algorithms, and/or has population frequency not consistent with disease.

NM_005654.6(NR2F1):c.153G>A (p.Thr51=)

Genes: NR2F1 (nuclear receptor subfamily 2 group F member 1; plus strand), NR2F1-AS1 (NR2F1 regulatory antisense RNA 1; minus strand). Cytogenetic location: 5q15.
Variant type: single nucleotide variant.
Coding change: c.153G>A on transcript NM_005654.6 (MANE Select); coding-DNA position 153, G replaced by A.
Protein change: p.Thr51=; no amino-acid change (threonine 51 retained).
Molecular consequence: synonymous variant.
Genome position (GRCh38, 1-based): chr5:93,585,176, G>A. VCF-style: chr5-93585176-G-A. GRCh37 (hg19) VCF-style: chr5-92920882-G-A.
Identifiers: ClinVar variation 385501 (VCV000385501.7), dbSNP rs1057522243, ClinGen allele CA16605425.
Genomic context (GRCh38, chr5:93,585,176, plus strand): 5'-CGGCGGCGGCGGCGGCGCCGGCGAGCAGCAGCAGCAGGCGGGCTCGGGCGCGCCGCACAC[G>A]CCGCAGACCCCGGGCCAGCCCGGAGCGCCCGCCACCCCCGGCACGGCGGGGGACAAGGGC-3'
Protein context (NP_005645.1, residues 41-61): QQQAGSGAPH[Thr51=]PQTPGQPGAP